The following is an entry in ClinVar:

ClinVar aggregate classification (germline): Uncertain significance (1 of 4 stars; one submission).

Submission:

Labcorp Genetics (formerly Invitae), Labcorp
Classification: Uncertain significance. Last evaluated: 2021-12-25. Review status: criteria provided, single submitter. Criteria: Invitae Variant Classification Sherloc (09022015). Collection method: clinical testing. Allele origin: germline.
Comment: Variants that disrupt the consensus splice site are a relatively common cause of aberrant splicing (PMID: 17576681, 9536098). Algorithms developed to predict the effect of sequence changes on RNA splicing suggest that this variant is not likely to affect RNA splicing. In summary, the available evidence is currently insufficient to determine the role of this variant in disease. Therefore, it has been classified as a Variant of Uncertain Significance. This sequence change falls in intron 12 of the MYH3 gene. It does not directly change the encoded amino acid sequence of the MYH3 protein. It affects a nucleotide within the consensus splice site. This variant is not present in population databases (gnomAD no frequency). This variant has not been reported in the literature in individuals affected with MYH3-related conditions.

Literature cited by the submitters: PubMed 17576681; PubMed 9536098.

NM_002470.4(MYH3):c.1142-3C>T

Gene: MYH3 (myosin heavy chain 3; minus strand). Cytogenetic location: 17p13.1.
Variant type: single nucleotide variant.
Coding change: c.1142-3C>T on transcript NM_002470.4 (MANE Select); 3 bases into the intron before coding-DNA position 1142, C replaced by T.
Molecular consequence: intron variant.
Genome position (GRCh38, 1-based): chr17:10,644,705, G>A on the plus strand (C>T on the coding strand, the complement: MYH3 is on the minus strand). VCF-style: chr17-10644705-G-A. GRCh37 (hg19) VCF-style: chr17-10548022-G-A.
Identifiers: ClinVar variation 2060481 (VCV002060481.4), dbSNP rs886052585, ClinGen allele CA2247319360.
Genomic context (GRCh38, chr17:10,644,705, plus strand): 5'-AAAGCTTTTAGGAGGTCCGAAGAGTTCAGGCCCATCAGATAGGCTGTTTTGTCAGCCACT[G>A]GCAAGAAAACAAGGACAGTGCTTAGAAAAGTAGAAGAGCTGCTTTGAAAATCATCCAGAA-3'